The following is an entry in ClinVar:

NM_006267.5(RANBP2):c.4508A>T (p.Gln1503Leu)

Gene: RANBP2 (RAN binding protein 2; plus strand). Cytogenetic location: 2q13.
Variant type: single nucleotide variant.
Coding change: c.4508A>T on transcript NM_006267.5 (MANE Select); coding-DNA position 4508, A replaced by T.
Protein change: p.Gln1503Leu; replaces glutamine 1503 with leucine.
Molecular consequence: missense variant.
Genome position (GRCh38, 1-based): chr2:108,765,047, A>T. VCF-style: chr2-108765047-A-T. GRCh37 (hg19) VCF-style: chr2-109381503-A-T.
Other names: short protein forms Q1503L.
Identifiers: ClinVar variation 653367 (VCV000653367.10), dbSNP rs969517784, ClinGen allele CA53453979.

ClinVar aggregate classification (germline): Conflicting classifications of pathogenicity. Review status: criteria provided, conflicting classifications (1 of 4 stars). 2 submissions from 2 submitters: Uncertain significance (1); Likely benign (1). Last evaluated 2023-12-08.

Conditions:
Familial acute necrotizing encephalopathy (IIAE3). Also called: Susceptibility to Acute Necrotizing Encephalopathy 1; ENCEPHALOPATHY, ACUTE, INFECTION-INDUCED, SUSCEPTIBILITY TO, 3. Identifiers: Orphanet 88619, MedGen C2675556, MONDO:0011953, OMIM 608033.

Allele frequency attached by ClinVar (database versions not stated): gnomAD 0.00001; TOPMed 0.00003.
gnomAD v4.1: 2 of 1,613,922 alleles (0.00012%); highest among the groups gnomAD compares: Admixed American, 0.0017%; no homozygotes.

Submissions (2):

Ambry Genetics
Classification: Likely benign. Last evaluated: 2023-12-08. Review status: criteria provided, single submitter. Criteria: Ambry Variant Classification Scheme 2023. Collection method: clinical testing. Allele origin: germline.

Labcorp Genetics (formerly Invitae), Labcorp
Classification: Uncertain significance for Familial acute necrotizing encephalopathy. Last evaluated: 2020-02-02. Review status: criteria provided, single submitter. Criteria: Invitae Variant Classification Sherloc (09022015). Collection method: clinical testing. Allele origin: germline.
Comment: In summary, the available evidence is currently insufficient to determine the role of this variant in disease. Therefore, it has been classified as a Variant of Uncertain Significance. Algorithms developed to predict the effect of missense changes on protein structure and function output the following: SIFT: "Tolerated"; PolyPhen-2: "Possibly Damaging"; Align-GVGD: "Class C0". The leucine amino acid residue is found in multiple mammalian species, suggesting that this missense change does not adversely affect protein function. These predictions have not been confirmed by published functional studies and their clinical significance is uncertain. This sequence change replaces glutamine with leucine at codon 1503 of the RANBP2 protein (p.Gln1503Leu). The glutamine residue is moderately conserved and there is a moderate physicochemical difference between glutamine and leucine. This variant is not present in population databases (ExAC no frequency). This variant has not been reported in the literature in individuals with RANBP2-related disease.